The following is an entry in ClinVar:

ClinVar aggregate classification (germline): Uncertain significance (1 of 4 stars; one submission).

Conditions:
Luscan-Lumish syndrome. Identifiers: Orphanet 597738, MedGen C4085873, MONDO:0014791, OMIM 616831.

Submission:

Labcorp Genetics (formerly Invitae), Labcorp
Classification: Uncertain significance for Luscan-Lumish syndrome. Last evaluated: 2024-08-12. Review status: criteria provided, single submitter. Criteria: Invitae Variant Classification Sherloc (09022015). Collection method: clinical testing. Allele origin: germline.
Comment: This sequence change replaces alanine, which is neutral and non-polar, with valine, which is neutral and non-polar, at codon 1699 of the SETD2 protein (p.Ala1699Val). This variant is not present in population databases (gnomAD no frequency). This variant has not been reported in the literature in individuals affected with SETD2-related conditions. Advanced modeling of protein sequence and biophysical properties (such as structural, functional, and spatial information, amino acid conservation, physicochemical variation, residue mobility, and thermodynamic stability) performed at Invitae indicates that this missense variant is expected to disrupt SETD2 protein function with a positive predictive value of 80%. In summary, the available evidence is currently insufficient to determine the role of this variant in disease. Therefore, it has been classified as a Variant of Uncertain Significance.

NM_014159.7(SETD2):c.5096C>T (p.Ala1699Val)

Gene: SETD2 (SET domain containing 2, histone lysine methyltransferase; minus strand). Cytogenetic location: 3p21.31.
Variant type: single nucleotide variant.
Coding change: c.5096C>T on transcript NM_014159.7 (MANE Select); coding-DNA position 5096, C replaced by T.
Protein change: p.Ala1699Val; replaces alanine 1699 with valine.
Molecular consequence: missense variant. On other transcripts: non-coding transcript variant (1).
Genome position (GRCh38, 1-based): chr3:47,098,001, G>A on the plus strand (C>T on the coding strand, the complement: SETD2 is on the minus strand). VCF-style: chr3-47098001-G-A. GRCh37 (hg19) VCF-style: chr3-47139491-G-A.
Other names: c.4964C>T, p.Ala1655Val (NM_001349370.3); short protein forms A1655V, A1699V.
Identifiers: ClinVar variation 3662107 (VCV003662107.2).